The following is an entry in ClinVar:

NM_001355436.2(SPTB):c.566G>T (p.Gly189Val)

Gene: SPTB (spectrin beta, erythrocytic; minus strand). Cytogenetic location: 14q23.3.
Variant type: single nucleotide variant.
Coding change: c.566G>T on transcript NM_001355436.2 (MANE Select); coding-DNA position 566, G replaced by T.
Protein change: p.Gly189Val; replaces glycine 189 with valine.
Molecular consequence: missense variant.
Genome position (GRCh38, 1-based): chr14:64,802,226, C>A on the plus strand (G>T on the coding strand, the complement: SPTB is on the minus strand). VCF-style: chr14-64802226-C-A. GRCh37 (hg19) VCF-style: chr14-65268944-C-A.
Other names: c.566G>T, p.Gly189Val (NM_001024858.4, NM_001355437.2); short protein forms G189V.
Identifiers: ClinVar variation 4734100 (VCV004734100.1).

ClinVar aggregate classification (germline): Uncertain significance (1 of 4 stars; one submission).

Submission:

Labcorp Genetics (formerly Invitae), Labcorp
Classification: Uncertain significance. Last evaluated: 2026-01-09. Review status: criteria provided, single submitter. Criteria: Invitae Variant Classification Sherloc (09022015). Collection method: clinical testing. Allele origin: germline.
Comment: This sequence change replaces glycine, which is neutral and non-polar, with valine, which is neutral and non-polar, at codon 189 of the SPTB protein (p.Gly189Val). This variant also falls at the last nucleotide of exon 4, which is part of the consensus splice site for this exon. This variant is not present in population databases (gnomAD no frequency). This variant has not been reported in the literature in individuals affected with SPTB-related conditions. An algorithm developed to predict the effect of missense changes on protein structure and function (PolyPhen-2) suggests that this variant is likely to be disruptive. Variants that disrupt the consensus splice site are a relatively common cause of aberrant splicing (PMID: 17576681, 9536098). Algorithms developed to predict the effect of sequence changes on RNA splicing suggest that this variant may disrupt the consensus splice site. In summary, the available evidence is currently insufficient to determine the role of this variant in disease. Therefore, it has been classified as a Variant of Uncertain Significance.

Literature cited by the submitters: PubMed 17576681; PubMed 9536098.